The following is an entry in ClinVar:

NM_019842.4(KCNQ5):c.1135C>T (p.Arg379Cys)

Gene: KCNQ5 (potassium voltage-gated channel subfamily Q member 5; plus strand). Cytogenetic location: 6q13.
Variant type: single nucleotide variant.
Coding change: c.1135C>T on transcript NM_019842.4 (MANE Select); coding-DNA position 1135, C replaced by T.
Protein change: p.Arg379Cys; replaces arginine 379 with cysteine.
Molecular consequence: missense variant.
Genome position (GRCh38, 1-based): chr6:73,120,492, C>T. VCF-style: chr6-73120492-C-T. GRCh37 (hg19) VCF-style: chr6-73830215-C-T.
Other names: c.1135C>T, p.Arg379Cys (NM_001160130.2, NM_001160132.2, NM_001160133.2 and 1 more transcripts); short protein forms R379C.
Identifiers: ClinVar variation 3686685 (VCV003686685.2).

ClinVar aggregate classification (germline): Uncertain significance (1 of 4 stars; one submission).

gnomAD v4.1: 8 of 1,610,946 alleles (0.0005%); highest among the groups gnomAD compares: South Asian, 0.0011%; no homozygotes.

Submission:

Labcorp Genetics (formerly Invitae), Labcorp
Classification: Uncertain significance. Last evaluated: 2025-12-21. Review status: criteria provided, single submitter. Criteria: Invitae Variant Classification Sherloc (09022015). Collection method: clinical testing. Allele origin: germline.
Comment: This sequence change replaces arginine, which is basic and polar, with cysteine, which is neutral and slightly polar, at codon 379 of the KCNQ5 protein (p.Arg379Cys). This variant is present in population databases (rs773773458, gnomAD 0.004%). This variant has not been reported in the literature in individuals affected with KCNQ5-related conditions. ClinVar contains an entry for this variant (Variation ID: 3686685). Invitae Evidence Modeling of protein sequence and biophysical properties (such as structural, functional, and spatial information, amino acid conservation, physicochemical variation, residue mobility, and thermodynamic stability) indicates that this missense variant is expected to disrupt KCNQ5 protein function with a positive predictive value of 80%. In summary, the available evidence is currently insufficient to determine the role of this variant in disease. Therefore, it has been classified as a Variant of Uncertain Significance.